The following is an entry in ClinVar:

ClinVar aggregate classification (germline): Uncertain significance. Review status: criteria provided, multiple submitters, no conflicts (2 of 4 stars). 2 submissions from 2 submitters: Uncertain significance (2). Last evaluated 2022-06-11.

gnomAD v4.1: 34 of 1,612,532 alleles (0.0021%); highest among the groups gnomAD compares: Admixed American, 0.01%; no homozygotes.

Submissions (2):

Labcorp Genetics (formerly Invitae), Labcorp
Classification: Uncertain significance. Last evaluated: 2022-06-11. Review status: criteria provided, single submitter. Criteria: Invitae Variant Classification Sherloc (09022015). Collection method: clinical testing. Allele origin: germline.
Comment: This sequence change replaces arginine, which is basic and polar, with glutamine, which is neutral and polar, at codon 875 of the TONSL protein (p.Arg875Gln). This variant is present in population databases (rs147256304, gnomAD 0.02%). This variant has not been reported in the literature in individuals affected with TONSL-related conditions. Algorithms developed to predict the effect of missense changes on protein structure and function output the following: SIFT: "Tolerated"; PolyPhen-2: "Benign"; Align-GVGD: "Class C0". The glutamine amino acid residue is found in multiple mammalian species, which suggests that this missense change does not adversely affect protein function. In summary, the available evidence is currently insufficient to determine the role of this variant in disease. Therefore, it has been classified as a Variant of Uncertain Significance.

Blueprint Genetics
Classification: Uncertain significance. Last evaluated: 2021-06-02. Review status: criteria provided, single submitter. Criteria: ACMG Guidelines, 2015. Collection method: clinical testing. Allele origin: germline.

NM_013432.5(TONSL):c.2624G>A (p.Arg875Gln)

Genes: TONSL (tonsoku like, DNA repair protein; minus strand), TONSL-AS1 (TONSL antisense RNA 1; plus strand). Cytogenetic location: 8q24.3.
Variant type: single nucleotide variant.
Coding change: c.2624G>A on transcript NM_013432.5 (MANE Select); coding-DNA position 2624, G replaced by A.
Protein change: p.Arg875Gln; replaces arginine 875 with glutamine.
Molecular consequence: missense variant.
Genome position (GRCh38, 1-based): chr8:144,435,809, C>T on the plus strand (G>A on the coding strand, the complement: TONSL is on the minus strand). VCF-style: chr8-144435809-C-T. GRCh37 (hg19) VCF-style: chr8-145661192-C-T.
Other names: short protein forms R875Q.
Identifiers: ClinVar variation 2193105 (VCV002193105.2), dbSNP rs147256304, ClinGen allele CA4942768.